The following is an entry in ClinVar:

NM_177438.3(DICER1):c.2278A>G (p.Ser760Gly)

Gene: DICER1 (dicer 1, ribonuclease III; minus strand). Cytogenetic location: 14q32.13.
Variant type: single nucleotide variant.
Coding change: c.2278A>G on transcript NM_177438.3 (MANE Select); coding-DNA position 2278, A replaced by G.
Protein change: p.Ser760Gly; replaces serine 760 with glycine.
Molecular consequence: missense variant. On other transcripts: non-coding transcript variant (6).
Genome position (GRCh38, 1-based): chr14:95,108,482, T>C on the plus strand (A>G on the coding strand, the complement: DICER1 is on the minus strand). VCF-style: chr14-95108482-T-C. GRCh37 (hg19) VCF-style: chr14-95574819-T-C.
Other names: c.2278A>G, p.Ser760Gly (NM_001195573.1, NM_001271282.3, NM_001291628.2 and 13 more transcripts); c.1996A>G, p.Ser666Gly (NM_001395686.1); c.1873A>G, p.Ser625Gly (NM_001395687.1, NM_001395688.1, NM_001395689.1 and 2 more transcripts); c.1711A>G, p.Ser571Gly (NM_001395691.1); c.595A>G, p.Ser199Gly (NM_001395697.1); short protein forms S199G, S625G, S666G, S760G, S571G.
Identifiers: ClinVar variation 2451723 (VCV002451723.2), dbSNP rs761639070, ClinGen allele CA390882394.

ClinVar aggregate classification (germline): Uncertain significance (1 of 4 stars; one submission).

Conditions:
Hereditary cancer-predisposing syndrome. Also called: Neoplastic Syndromes, Hereditary; Tumor predisposition; Hereditary neoplastic syndrome; Hereditary Cancer Syndrome. Identifiers: Orphanet 140162, MedGen C0027672, MeSH D009386, MONDO:0015356.

Submission:

Ambry Genetics
Classification: Uncertain significance for Hereditary cancer-predisposing syndrome. Last evaluated: 2023-02-03. Review status: criteria provided, single submitter. Criteria: Ambry Variant Classification Scheme 2023. Collection method: clinical testing. Allele origin: germline.
Comment: The p.S760G variant (also known as c.2278A>G), located in coding exon 14 of the DICER1 gene, results from an A to G substitution at nucleotide position 2278. The serine at codon 760 is replaced by glycine, an amino acid with similar properties. This amino acid position is conserved. In addition, the in silico prediction for this alteration is inconclusive. Since supporting evidence is limited at this time, the clinical significance of this alteration remains unclear.